The following is an entry in ClinVar:

NM_177438.3(DICER1):c.4605_4606del (p.Cys1535fs)

Gene: DICER1 (dicer 1, ribonuclease III; minus strand). Cytogenetic location: 14q32.13.
Variant type: Microsatellite.
Coding change: c.4605_4606del on transcript NM_177438.3 (MANE Select); coding-DNA positions 4605 to 4606, 2 bases deleted (TG; older notation c.4605_4606delTG).
Protein change: p.Cys1535fs; shifts the reading frame from cysteine 1535.
Molecular consequence: frameshift variant.
Genome position (GRCh38, 1-based): chr14:95,096,314-95,096,315, CA deleted on the plus strand (TG on the coding strand, the reverse complement: DICER1 is on the minus strand); deleting any 2 consecutive bases within chr14:95,096,314-95,096,317 gives the same sequence; the c. name uses the placement nearest the transcript's 3' end. VCF-style (leftmost placement, unchanged base first): chr14-95096313-CCA-C. GRCh37 (hg19) VCF-style: chr14-95562650-CCA-C.
Other names: c.4605_4606delTG (NM_177438.2, NM_177438.3); c.4605_4606del, p.Cys1535fs (NM_001195573.1, NM_001271282.3, NM_001291628.2 and 1 more transcripts); short protein forms C1535fs.
Identifiers: ClinVar variation 254337 (VCV000254337.24), dbSNP rs886037717, ClinGen allele CA10586413.
Genomic context (GRCh38, chr14:95,096,313, plus strand): 5'-TCAGCAATACACTGCTCAGTGTGCAAGTCGTAAGAAATGGACTGCTTTCCCGTGTCAACA[CCA>C]CAGTTTTCTTCTGATGGATTCCAGAACCCCACCACAAAGTCATCTTCTTCAACAGCTTTG-3'

ClinVar aggregate classification (germline): Pathogenic. Review status: criteria provided, multiple submitters, no conflicts (2 of 4 stars). 7 submissions from 7 submitters: Pathogenic (7). Last evaluated 2025-03-04.

Conditions:
Vertebral anomalies and variable endocrine and T-cell dysfunction. Identifiers: MedGen C4748741, MONDO:0032607, OMIM 618223.
DICER1-related tumor predisposition. Also called: DICER1 syndrome; DICER1-related pleuropulmonary blastoma cancer predisposition syndrome. Identifiers: Orphanet 284343, MedGen C3839822, MONDO:0100216.
Hereditary cancer-predisposing syndrome. Also called: Tumor predisposition; Hereditary Cancer Syndrome; Neoplastic Syndromes, Hereditary; Hereditary neoplastic syndrome. Identifiers: Orphanet 140162, MedGen C0027672, MeSH D009386, MONDO:0015356.

Submissions (7):

Center for Genomic Medicine, Rigshospitalet, Copenhagen University Hospital
Classification: Pathogenic. Last evaluated: 2025-03-04. Review status: criteria provided, single submitter. Criteria: ACMG Guidelines, 2015. Collection method: clinical testing. Allele origin: germline.

Institute for Medical Genetics and Human Genetics, Charité - Universitätsmedizin Berlin
Classification: Pathogenic for Vertebral anomalies and variable endocrine and T-cell dysfunction. Last evaluated: 2022-09-27. Review status: criteria provided, single submitter. Criteria: ACMG Guidelines, 2015. Collection method: clinical testing. Allele origin: germline. Inheritance: Autosomal dominant inheritance. Affected: yes. Observed: 1 heterozygote.

Foulkes Cancer Genetics LDI, Lady Davis Institute for Medical Research
Classification: Pathogenic for Pleuropulmonary blastoma. Last evaluated: 2019-07-01. Review status: criteria provided, single submitter. Criteria: ACMG Guidelines, 2015. Collection method: curation. Allele origin: germline. Affected: yes. Observed: 2 variant alleles.
Comment: ACMG criteria met: PVS1, PM2, PP4

Labcorp Genetics (formerly Invitae), Labcorp
Classification: Pathogenic for DICER1-related tumor predisposition. Last evaluated: 2019-05-20. Review status: criteria provided, single submitter. Criteria: Invitae Variant Classification Sherloc (09022015). Collection method: clinical testing. Allele origin: germline.
Comment: Loss-of-function variants in DICER1 are known to be pathogenic (PMID: 19556464, 21266384). This variant has been observed in an individual affected with pleuropulmonary blastoma (PMID: 26925222) and has also been observed to be de novo in an individual affected with DICER1 syndrome (PMID: 28960912). ClinVar contains an entry for this variant (Variation ID: 254337). This variant is not present in population databases (ExAC no frequency). This sequence change creates a premature translational stop signal (p.Cys1535Trpfs*3) in the DICER1 gene. It is expected to result in an absent or disrupted protein product. For these reasons, this variant has been classified as Pathogenic.

PreventionGenetics, part of Exact Sciences
Classification: Pathogenic. Last evaluated: 2016-02-03. Review status: criteria provided, single submitter. Criteria: ACMG Guidelines, 2015. Collection method: clinical testing. Allele origin: germline.

International Pleuropulmonary Blastoma Registry, Children's Hospitals and Clinics of Minnesota
Classification: Pathogenic for Pleuropulmonary blastoma. Last evaluated: 2014-11-10. Review status: criteria provided, single submitter. Criteria: Hill et al. (Science. 2009). Collection method: clinical testing. Allele origin: germline. Affected: yes. Study: PPB-DICER1 Genetic study.

Ambry Genetics
Classification: Pathogenic for Hereditary cancer-predisposing syndrome. Last evaluated: 2012-06-25. Review status: criteria provided, single submitter. Criteria: Ambry Autosomal Dominant and X-Linked criteria (10/2015). Collection method: clinical testing. Allele origin: germline. Observed: 1 variant allele.
Comment: This alteration is expected to result in loss of function by premature protein truncation or nonsense-mediatedâ€¯mRNAâ€¯decay.â€¯As such, this alteration is interpreted as a disease-causing mutation.

Literature cited by the submitters: PubMed 26925222 (cited by 4 submitters); PubMed 28960912 (cited by Foulkes Cancer Genetics LDI, Lady Davis Institute for Medical Research and Labcorp Genetics (formerly Invitae), Labcorp); PubMed 19556464 (cited by Labcorp Genetics (formerly Invitae), Labcorp); PubMed 21266384 (cited by Labcorp Genetics (formerly Invitae), Labcorp).